The following is an entry in ClinVar:

ClinVar aggregate classification (germline): Uncertain significance (1 of 4 stars; one submission).

Conditions:
Inborn genetic diseases. Identifiers: MedGen C0950123, MeSH D030342.

Submission:

Ambry Genetics
Classification: Uncertain significance for Inborn genetic diseases. Last evaluated: 2025-10-13. Review status: criteria provided, single submitter. Criteria: Ambry Variant Classification Scheme 2023. Collection method: clinical testing. Allele origin: germline.
Comment: The p.F818V variant (also known as c.2452T>G), located in coding exon 26 of the FANCA gene, results from a T to G substitution at nucleotide position 2452. The phenylalanine at codon 818 is replaced by valine, an amino acid with highly similar properties. This amino acid position is conserved. In addition, this alteration is predicted to be tolerated by in silico analysis. Based on the available evidence, the clinical significance of this variant remains unclear.

NM_000135.4(FANCA):c.2452T>G (p.Phe818Val)

Gene: FANCA (FA complementation group A; minus strand). Cytogenetic location: 16q24.3.
Variant type: single nucleotide variant.
Coding change: c.2452T>G on transcript NM_000135.4 (MANE Select); coding-DNA position 2452, T replaced by G.
Protein change: p.Phe818Val; replaces phenylalanine 818 with valine.
Molecular consequence: missense variant.
Genome position (GRCh38, 1-based): chr16:89,769,889, A>C on the plus strand (T>G on the coding strand, the complement: FANCA is on the minus strand). VCF-style: chr16-89769889-A-C. GRCh37 (hg19) VCF-style: chr16-89836297-A-C.
Other names: c.2452T>G, p.Phe818Val (NM_001286167.3); short protein forms F818V.
Identifiers: ClinVar variation 4619203 (VCV004619203.1).
Genomic context (GRCh38, chr16:89,769,889, plus strand): 5'-GAGCTCACTTCAGGCAGAAGAACAAGGAATCCCTCGTCCTACAGGTCAGGAGGCTGTCAA[A>C]GAGCGCAGGGACAGGAAGGCCAGCACCAGGTGCAGGAGGACCCACATCCACCTCTGGGAG-3'
Protein context (NP_000126.2, residues 808-828): PGAGLPVPAL[Phe818Val]DSLLTCRTRD